The following is an entry in ClinVar:

ClinVar aggregate classification (germline): Uncertain significance (1 of 4 stars; one submission).

Allele frequency attached by ClinVar (database versions not stated): gnomAD 0.00001; TOPMed 0.00001.

Submission:

Labcorp Genetics (formerly Invitae), Labcorp
Classification: Uncertain significance. Last evaluated: 2021-12-08. Review status: criteria provided, single submitter. Criteria: Invitae Variant Classification Sherloc (09022015). Collection method: clinical testing. Allele origin: germline.
Comment: This sequence change replaces arginine, which is basic and polar, with lysine, which is basic and polar, at codon 4 of the COL18A1 protein (p.Arg4Lys). This variant is not present in population databases (gnomAD no frequency). This variant has not been reported in the literature in individuals affected with COL18A1-related conditions. Experimental studies and prediction algorithms are not available or were not evaluated, and the functional significance of this variant is currently unknown. In summary, the available evidence is currently insufficient to determine the role of this variant in disease. Therefore, it has been classified as a Variant of Uncertain Significance.

NM_001379500.1(COL18A1):c.11G>A (p.Arg4Lys)

Genes: BNAT1 (breast cancer associated ESR1 regulating natural antisense transcript 1; minus strand), COL18A1 (collagen type XVIII alpha 1 chain; plus strand). Cytogenetic location: 21q22.3.
Variant type: single nucleotide variant.
Coding change: c.11G>A on transcript NM_001379500.1 (MANE Select); coding-DNA position 11, G replaced by A.
Protein change: p.Arg4Lys; replaces arginine 4 with lysine.
Molecular consequence: missense variant.
Genome position (GRCh38, 1-based): chr21:45,405,241, G>A. VCF-style: chr21-45405241-G-A. GRCh37 (hg19) VCF-style: chr21-46825156-G-A.
Other names: short protein forms R4K.
Identifiers: ClinVar variation 1437116 (VCV001437116.6), dbSNP rs2033031115, ClinGen allele CA410620229.